The following is an entry in ClinVar:

NM_000138.5(FBN1):c.6820T>C (p.Cys2274Arg)

Gene: FBN1 (fibrillin 1; minus strand). Cytogenetic location: 15q21.1.
Variant type: single nucleotide variant.
Coding change: c.6820T>C on transcript NM_000138.5 (MANE Select); coding-DNA position 6820, T replaced by C.
Protein change: p.Cys2274Arg; replaces cysteine 2274 with arginine.
Molecular consequence: missense variant.
Genome position (GRCh38, 1-based): chr15:48,430,722, A>G on the plus strand (T>C on the coding strand, the complement: FBN1 is on the minus strand). VCF-style: chr15-48430722-A-G. GRCh37 (hg19) VCF-style: chr15-48722919-A-G.
Other names: NM_000138.5(FBN1):c.6820T>C; p.Cys2274Arg; short protein forms C2274R.
Identifiers: ClinVar variation 222610 (VCV000222610.9), dbSNP rs869025412, ClinGen allele CA353663.

ClinVar aggregate classification (germline): Likely pathogenic. Review status: reviewed by expert panel (3 of 4 stars). 3 submissions from 3 submitters: Likely pathogenic (1). 2 of the submissions do not count toward it. Last evaluated 2024-08-22.

Conditions:
Marfan syndrome (MFS). Also called: MARFAN SYNDROME, TYPE I; FBN1-Related Marfan Syndrome; Marfan syndrome, classic; Marfan syndrome type 1; Marfan's syndrome. Identifiers: Orphanet 284963, Orphanet 558, MedGen C0024796, MONDO:0007947, OMIM 154700.
Familial thoracic aortic aneurysm and aortic dissection (TAAD). Also called: Thoracic aortic aneurysms and dissections. Identifiers: Orphanet 91387, MedGen C4707243, MONDO:0019625.

Submissions (3):

ClinGen FBN1 Variant Curation Expert Panel, ClinGen
Classification: Likely pathogenic for Marfan syndrome. Last evaluated: 2024-08-22. Review status: reviewed by expert panel. Criteria: Assertion Criteria VCEP FBN1 Version 1. Collection method: curation. Allele origin: germline. Inheritance: Autosomal dominant inheritance.
Comment: NM_00138 c.6820T>C is a missense variant in FBN1 predicted to cause a substitution of cysteine by arginine at amino acid 2274 (p.Cys2274Arg). This variant is not reported in the literature. This variant has been reported twice in ClinVar as Likely pathogenic and once as uncertain significance (Variation ID: 222610). This variant is not present in gnomAD (PM2_Sup; v4.0.0). This variant affects a cysteine residue in a calcium binding EGF domain. Cysteine residues are believed to be involved in the formation of disulfide bridges which are essential for the protein structure (PM1_strong). The constraint z-score for missense variants affecting FBN1 is 8.18 (PP2; v4.0.0). Computational prediction tools and conservation analysis suggest that this variant may impact the protein (REVEL: 0.992, PP3). In summary, this variant meets criteria to be classified as likely pathogenic for Marfan syndrome based on the ACMG/AMP criteria applied, as specified by the ClinGen FBN1 VCEP: PM1_Strong, PM2_Sup,PP2, PP3

Revvity Omics, Revvity
Classification: Likely pathogenic. Last evaluated: 2025-01-21. Review status: criteria provided, single submitter. Criteria: ACMG Guidelines, 2015. Collection method: clinical testing. Allele origin: germline. Not counted in ClinVar's aggregate classification.

Labcorp Genetics (formerly Invitae), Labcorp
Classification: Likely pathogenic for Marfan syndrome; Familial thoracic aortic aneurysm and aortic dissection. Last evaluated: 2022-05-06. Review status: criteria provided, single submitter. Criteria: Invitae Variant Classification Sherloc (09022015). Collection method: clinical testing. Allele origin: germline. Not counted in ClinVar's aggregate classification.
Comment: ClinVar contains an entry for this variant (Variation ID: 222610). This missense change has been observed in individual(s) with clinical features of Marfan syndrome (Invitae). This variant is not present in population databases (gnomAD no frequency). This sequence change replaces cysteine, which is neutral and slightly polar, with arginine, which is basic and polar, at codon 2274 of the FBN1 protein (p.Cys2274Arg). Advanced modeling of protein sequence and biophysical properties (such as structural, functional, and spatial information, amino acid conservation, physicochemical variation, residue mobility, and thermodynamic stability) performed at Invitae indicates that this missense variant is expected to disrupt FBN1 protein function. In summary, the currently available evidence indicates that the variant is pathogenic, but additional data are needed to prove that conclusively. Therefore, this variant has been classified as Likely Pathogenic. This variant disrupts the p.Cys2274 amino acid residue in FBN1. Other variant(s) that disrupt this residue have been observed in individuals with FBN1-related conditions (PMID: 17657824), which suggests that this may be a clinically significant amino acid residue. This variant affects a cysteine residue in the EGF-like, TGFBP or hybrid motif domains of FBN1. Cysteine residues are believed to be involved in intramolecular disulfide bridges and have been shown to be important for FBN1 protein structure (PMID: 16905551, 19349279). In addition, missense substitutions affecting cysteine residues within these domains are significantly overrepresented among patients with Marfan syndrome (PMID: 16571647, 17701892).

Literature cited by the submitters: PubMed 17657824 (cited by Labcorp Genetics (formerly Invitae), Labcorp); PubMed 16905551 (cited by Labcorp Genetics (formerly Invitae), Labcorp); PubMed 19349279 (cited by Labcorp Genetics (formerly Invitae), Labcorp); PubMed 16571647 (cited by Labcorp Genetics (formerly Invitae), Labcorp); PubMed 17701892 (cited by Labcorp Genetics (formerly Invitae), Labcorp).